The following is an entry in ClinVar:

NM_001010874.5(TECRL):c.940A>C (p.Thr314Pro)

Gene: TECRL (trans-2,3-enoyl-CoA reductase like; minus strand). Cytogenetic location: 4q13.1.
Variant type: single nucleotide variant.
Coding change: c.940A>C on transcript NM_001010874.5 (MANE Select); coding-DNA position 940, A replaced by C.
Protein change: p.Thr314Pro; replaces threonine 314 with proline.
Molecular consequence: missense variant.
Genome position (GRCh38, 1-based): chr4:64,281,065, T>G on the plus strand (A>C on the coding strand, the complement: TECRL is on the minus strand). VCF-style: chr4-64281065-T-G. GRCh37 (hg19) VCF-style: chr4-65146783-T-G.
Other names: c.940A>C, p.Thr314Pro (NM_001363796.1); short protein forms T314P.
Identifiers: ClinVar variation 3325209 (VCV003325209.1).

ClinVar aggregate classification (germline): Uncertain significance (1 of 4 stars; one submission).

Conditions:
Cardiovascular phenotype. Identifiers: MedGen CN230736.

gnomAD v4.1: 15 of 1,603,058 alleles (0.00094%); highest among the groups gnomAD compares: Non-Finnish European, 0.0013%; no homozygotes.

Submission:

Ambry Genetics
Classification: Uncertain significance for Cardiovascular phenotype. Last evaluated: 2024-05-03. Review status: criteria provided, single submitter. Criteria: Ambry Variant Classification Scheme 2023. Collection method: clinical testing. Allele origin: germline.
Comment: The p.T314P variant (also known as c.940A>C), located in coding exon 11 of the TECRL gene, results from an A to C substitution at nucleotide position 940. The threonine at codon 314 is replaced by proline, an amino acid with highly similar properties. This amino acid position is conserved. In addition, the in silico prediction for this alteration is inconclusive. Based on the available evidence, the clinical significance of this variant remains unclear.